The following is an entry in ClinVar:

NM_014974.3(DIP2C):c.2200T>C (p.Cys734Arg)

Gene: DIP2C (DIP2 acetate--CoA ligase C (putative); minus strand). Cytogenetic location: 10p15.3.
Variant type: single nucleotide variant.
Coding change: c.2200T>C on transcript NM_014974.3 (MANE Select); coding-DNA position 2200, T replaced by C.
Protein change: p.Cys734Arg; replaces cysteine 734 with arginine.
Molecular consequence: missense variant.
Genome position (GRCh38, 1-based): chr10:366,343, A>G on the plus strand (T>C on the coding strand, the complement: DIP2C is on the minus strand). VCF-style: chr10-366343-A-G. GRCh37 (hg19) VCF-style: chr10-412283-A-G.
Other names: short protein forms C734R.
Identifiers: ClinVar variation 3367420 (VCV003367420.2).

ClinVar aggregate classification (germline): Uncertain significance (1 of 4 stars; one submission).

Submission:

GeneDx
Classification: Uncertain significance. Last evaluated: 2026-07-25. Review status: criteria provided, single submitter. Criteria: GeneDx Variant Classification Process June 2021. Collection method: clinical testing. Allele origin: germline.
Comment: Not observed at significant frequency in large population cohorts (gnomAD); In silico analysis supports that this missense variant has a deleterious effect on protein structure/function; Has not been previously published as pathogenic or benign to our knowledge